The following is an entry in ClinVar:

NM_003705.5(SLC25A12):c.1247A>G (p.Lys416Arg)

Gene: SLC25A12 (solute carrier family 25 member 12; minus strand). Cytogenetic location: 2q31.1.
Variant type: single nucleotide variant.
Coding change: c.1247A>G on transcript NM_003705.5 (MANE Select); coding-DNA position 1247, A replaced by G.
Protein change: p.Lys416Arg; replaces lysine 416 with arginine.
Molecular consequence: missense variant. On other transcripts: non-coding transcript variant (1).
Genome position (GRCh38, 1-based): chr2:171,809,664, T>C on the plus strand (A>G on the coding strand, the complement: SLC25A12 is on the minus strand). VCF-style: chr2-171809664-T-C. GRCh37 (hg19) VCF-style: chr2-172666174-T-C.
Other names: short protein forms K416R.
Identifiers: ClinVar variation 2130233 (VCV002130233.4), dbSNP rs2545182835, ClinGen allele CA349289864.
Genomic context (GRCh38, chr2:171,809,664, plus strand): 5'-ACACAGCCTCCAGCAAGAACTTCTGCTGGAAGTGGAACAGAGCCATCTCTTCTGGTAAAT[T>C]TGTCCCGAACAAAATCATTAACCTAATTAGAAAGACAACATCAGTTAACCAAAATTCCCA-3'
Protein context (NP_003696.2, residues 406-426): KLTVNDFVRD[Lys416Arg]FTRRDGSVPL

ClinVar aggregate classification (germline): Uncertain significance (1 of 4 stars; one submission).

Submission:

Labcorp Genetics (formerly Invitae), Labcorp
Classification: Uncertain significance. Last evaluated: 2025-05-05. Review status: criteria provided, single submitter. Criteria: Invitae Variant Classification Sherloc (09022015). Collection method: clinical testing. Allele origin: germline.
Comment: This sequence change replaces lysine, which is basic and polar, with arginine, which is basic and polar, at codon 416 of the SLC25A12 protein (p.Lys416Arg). This variant is not present in population databases (gnomAD no frequency). This variant has not been reported in the literature in individuals affected with SLC25A12-related conditions. ClinVar contains an entry for this variant (Variation ID: 2130233). Invitae Evidence Modeling of protein sequence and biophysical properties (such as structural, functional, and spatial information, amino acid conservation, physicochemical variation, residue mobility, and thermodynamic stability) indicates that this missense variant is not expected to disrupt SLC25A12 protein function with a negative predictive value of 80%. Algorithms developed to predict the effect of sequence changes on RNA splicing suggest that this variant may create or strengthen a splice site. In summary, the available evidence is currently insufficient to determine the role of this variant in disease. Therefore, it has been classified as a Variant of Uncertain Significance.